The following is an entry in ClinVar:

NM_001330585.2(CC2D1B):c.2020C>T (p.His674Tyr)

Gene: CC2D1B (coiled-coil and C2 domain containing 1B; minus strand). Cytogenetic location: 1p32.3.
Variant type: single nucleotide variant.
Coding change: c.2020C>T on transcript NM_001330585.2 (MANE Select); coding-DNA position 2020, C replaced by T.
Protein change: p.His674Tyr; replaces histidine 674 with tyrosine.
Molecular consequence: missense variant.
Genome position (GRCh38, 1-based): chr1:52,356,220, G>A on the plus strand (C>T on the coding strand, the complement: CC2D1B is on the minus strand). VCF-style: chr1-52356220-G-A. GRCh37 (hg19) VCF-style: chr1-52821892-G-A.
Other names: c.2038C>T, p.His680Tyr (NM_032449.3); short protein forms H674Y, H680Y.
Identifiers: ClinVar variation 717691 (VCV000717691.27), dbSNP rs141717834, ClinGen allele CA852174.

ClinVar aggregate classification (germline): Likely benign. Review status: criteria provided, multiple submitters, no conflicts (2 of 4 stars). 2 submissions from 2 submitters: Likely benign (2). Last evaluated 2023-04-01.

Allele frequency attached by ClinVar (database versions not stated): 1000 Genomes Project 0.00160; gnomAD 0.00378 and 0.00388; TOPMed 0.00396; ESP Exome Variant Server 0.00415.
gnomAD v4.1: 8,365 of 1,613,836 alleles (0.52%); highest among the groups gnomAD compares: Non-Finnish European, 0.61%; 21 homozygotes.

Submissions (2):

CeGaT Center for Human Genetics Tuebingen
Classification: Likely benign. Last evaluated: 2023-04-01. Review status: criteria provided, single submitter. Criteria: CeGaT Center For Human Genetics Tuebingen Variant Classification Criteria Version 2. Collection method: clinical testing. Allele origin: germline. Affected: yes. Observed: 1 variant allele.
Comment: CC2D1B: BS2

Labcorp Genetics (formerly Invitae), Labcorp
Classification: Likely benign. Last evaluated: 2018-05-08. Review status: criteria provided, single submitter. Criteria: Invitae Variant Classification Sherloc (09022015). Collection method: clinical testing. Allele origin: germline.